The following is an entry in ClinVar:

NM_000059.4(BRCA2):c.9116_9117+4del

Gene: BRCA2 (BRCA2 DNA repair associated; plus strand). Cytogenetic location: 13q13.1.
Variant type: Deletion.
Coding change: c.9116_9117+4del on transcript NM_000059.4 (MANE Select); coding-DNA position 9116 through 4 bases into the intron after coding-DNA position 9117, 6 bases deleted (CGGTAC; older notation c.9116_9117+4delCGGTAC).
Molecular consequence: splice donor variant.
Genome position (GRCh38, 1-based): chr13:32,379,912-32,379,917, CGGTAC deleted; deleting any 6 consecutive bases within chr13:32,379,909-32,379,917 gives the same sequence; the c. name uses the placement nearest the transcript's 3' end. VCF-style (leftmost placement, unchanged base first): chr13-32379908-CTACCGG-C. GRCh37 (hg19) VCF-style: chr13-32954045-CTACCGG-C.
Identifiers: ClinVar variation 1765855 (VCV001765855.3), dbSNP rs2548555893, ClinGen allele CA2580087500.
Genomic context (GRCh38, chr13:32,379,908, plus strand): 5'-AGTAAATCTGAAAGAGCTAACATACAGTTAGCAGCGACAAAAAAAACTCAGTATCAACAA[CTACCGG>C]TACAAACCTTTCATTGTAATTTTTCAGTTTTGATAAGTGCTTGTTAGTTTATGGAATCTC-3'

ClinVar aggregate classification (germline): Likely pathogenic (1 of 4 stars; one submission).

Conditions:
Hereditary cancer-predisposing syndrome. Also called: Neoplastic Syndromes, Hereditary; Tumor predisposition; Hereditary Cancer Syndrome; Hereditary neoplastic syndrome. Identifiers: Orphanet 140162, MedGen C0027672, MeSH D009386, MONDO:0015356.

Submission:

Ambry Genetics
Classification: Likely pathogenic for Hereditary cancer-predisposing syndrome. Last evaluated: 2024-09-17. Review status: criteria provided, single submitter. Criteria: Ambry Variant Classification Scheme 2023. Collection method: clinical testing. Allele origin: germline.
Comment: The c.9116_9117+4delCGGTAC variant results from a deletion of 6 nucleotides between positions 9116 and 9117+4 and involves the canonical splice donor site after coding exon 22 of the BRCA2 gene. The canonical splice donor site is highly conserved in available vertebrate species. In silico splice site analysis predicts that this alteration will weaken the native splice donor site. Alterations that disrupt the canonical splice site are expected to cause aberrant splicing, resulting in an abnormal protein or a transcript that is subject to nonsense-mediated mRNA decay. RNA studies have demonstrated that this alteration results in abnormal splicing in the set of samples tested (Ambry internal data). This variant is considered to be rare based on population cohorts in the Genome Aggregation Database (gnomAD). Based on the majority of available evidence to date, this variant is likely to be pathogenic.